The following is an entry in ClinVar:

ClinVar aggregate classification (germline): Pathogenic (1 of 4 stars; one submission).

Conditions:
Bethlem myopathy 1A. Also called: Bethlem myopathy 1; MYOPATHY, BENIGN CONGENITAL, WITH CONTRACTURES; Bethlem Muscular Dystrophy. Identifiers: Orphanet 610, MedGen CN029274, MONDO:0024530, OMIM 158810.

gnomAD v4.1: 1 of 1,614,132 alleles (0.000062%); highest among the groups gnomAD compares: Non-Finnish European, 0.000085%; no homozygotes.

Submission:

Labcorp Genetics (formerly Invitae), Labcorp
Classification: Pathogenic for Bethlem myopathy 1A. Last evaluated: 2023-04-30. Review status: criteria provided, single submitter. Criteria: Invitae Variant Classification Sherloc (09022015). Collection method: clinical testing. Allele origin: germline.
Comment: For these reasons, this variant has been classified as Pathogenic. This variant has not been reported in the literature in individuals affected with COL6A3-related conditions. This variant is not present in population databases (gnomAD no frequency). This sequence change creates a premature translational stop signal (p.Glu73*) in the COL6A3 gene. It is expected to result in an absent or disrupted protein product. Loss-of-function variants in COL6A3 are known to be pathogenic (PMID: 26004199).

Literature cited by the submitters: PubMed 26004199.

NM_004369.4(COL6A3):c.217G>T (p.Glu73Ter)

Gene: COL6A3 (collagen type VI alpha 3 chain; minus strand). Cytogenetic location: 2q37.3.
Variant type: single nucleotide variant.
Coding change: c.217G>T on transcript NM_004369.4 (MANE Select); coding-DNA position 217, G replaced by T.
Protein change: p.Glu73Ter; replaces glutamic acid 73 with a stop codon.
Molecular consequence: nonsense. On other transcripts: intron variant (4).
Genome position (GRCh38, 1-based): chr2:237,395,079, C>A on the plus strand (G>T on the coding strand, the complement: COL6A3 is on the minus strand). VCF-style: chr2-237395079-C-A. GRCh37 (hg19) VCF-style: chr2-238303722-C-A.
Other names: c.91+1648G>T (NM_057166.5, NM_057167.4, NM_057164.5 and 1 more transcripts); short protein forms E73*.
Identifiers: ClinVar variation 2860696 (VCV002860696.3), dbSNP rs775433277, ClinGen allele CA351228091.